The following is an entry in ClinVar:

NM_177550.5(SLC13A5):c.664G>A (p.Ala222Thr)

Gene: SLC13A5 (solute carrier family 13 member 5; minus strand). Cytogenetic location: 17p13.1.
Variant type: single nucleotide variant.
Coding change: c.664G>A on transcript NM_177550.5 (MANE Select); coding-DNA position 664, G replaced by A.
Protein change: p.Ala222Thr; replaces alanine 222 with threonine.
Molecular consequence: missense variant.
Genome position (GRCh38, 1-based): chr17:6,703,022, C>T on the plus strand (G>A on the coding strand, the complement: SLC13A5 is on the minus strand). VCF-style: chr17-6703022-C-T. GRCh37 (hg19) VCF-style: chr17-6606341-C-T.
Other names: c.664G>A, p.Ala222Thr (NM_001143838.3); c.613G>A, p.Ala205Thr (NM_001284509.2); c.535G>A, p.Ala179Thr (NM_001284510.2); short protein forms A205T, A179T, A222T.
Identifiers: ClinVar variation 1403666 (VCV001403666.6), dbSNP rs201674669, ClinGen allele CA8331656.
Genomic context (GRCh38, chr17:6,703,022, plus strand): 5'-GGACTCACTCGTTCATCTGGCCCAGGAGCACCACGTTGGGTCCCGTCCCGGTCAGGGTGG[C>T]GGTGCCCCCGATGCTGGCCGCGTAGCAGATGCACAGGGTCATGGCCTTACACAACCTCTT-3'
Protein context (NP_808218.1, residues 212-232): ICYAASIGGT[Ala222Thr]TLTGTGPNVV

ClinVar aggregate classification (germline): Uncertain significance (1 of 4 stars; one submission).

Conditions:
Developmental and epileptic encephalopathy, 25 (DEE25). Also called: Epileptic encephalopathy, early infantile, 25; Developmental and epileptic encephalopathy 25, with amelogenesis imperfecta; Epileptic encephalopathy, early infantile, 25, with amelogenesis imperfecta. Identifiers: Orphanet 442835, MedGen C4014621, MONDO:0014392, OMIM 615905.

Allele frequency attached by ClinVar (database versions not stated): TOPMed 0.00001.
gnomAD v4.1: 17 of 1,614,092 alleles (0.0011%); highest among the groups gnomAD compares: Middle Eastern, 0.016%; no homozygotes.

Submission:

Labcorp Genetics (formerly Invitae), Labcorp
Classification: Uncertain significance for Developmental and epileptic encephalopathy, 25. Last evaluated: 2021-08-19. Review status: criteria provided, single submitter. Criteria: Invitae Variant Classification Sherloc (09022015). Collection method: clinical testing. Allele origin: germline.
Comment: In summary, the available evidence is currently insufficient to determine the role of this variant in disease. Therefore, it has been classified as a Variant of Uncertain Significance. Algorithms developed to predict the effect of missense changes on protein structure and function are either unavailable or do not agree on the potential impact of this missense change (SIFT: "Tolerated"; PolyPhen-2: "Probably Damaging"; Align-GVGD: "Class C0"). This variant has not been reported in the literature in individuals affected with SLC13A5-related conditions. This variant is present in population databases (rs201674669, ExAC 0.02%). This sequence change replaces alanine with threonine at codon 222 of the SLC13A5 protein (p.Ala222Thr). The alanine residue is highly conserved and there is a small physicochemical difference between alanine and threonine.